The following is an entry in ClinVar:

NM_001242896.3(DEPDC5):c.1045C>T (p.Leu349Phe)

Gene: DEPDC5 (DEP domain containing 5, GATOR1 subcomplex subunit; plus strand). Cytogenetic location: 22q12.3.
Variant type: single nucleotide variant.
Coding change: c.1045C>T on transcript NM_001242896.3 (MANE Select); coding-DNA position 1045, C replaced by T.
Protein change: p.Leu349Phe; replaces leucine 349 with phenylalanine.
Molecular consequence: missense variant. On other transcripts: non-coding transcript variant (5).
Genome position (GRCh38, 1-based): chr22:31,802,802, C>T. VCF-style: chr22-31802802-C-T. GRCh37 (hg19) VCF-style: chr22-32198788-C-T.
Other names: c.1045C>T, p.Leu349Phe (NM_001007188.4, NM_001136029.4, NM_001242897.2 and 7 more transcripts); c.961C>T, p.Leu321Phe (NM_001369901.1, NM_001369902.1); short protein forms L349F, L321F.
Identifiers: ClinVar variation 426269 (VCV000426269.2), dbSNP rs1085307532, ClinGen allele CA411292936.

ClinVar aggregate classification (germline): Uncertain significance (1 of 4 stars; one submission).

Allele frequency attached by ClinVar (database versions not stated): gnomAD exomes below 0.00001.

Submission:

GeneDx
Classification: Uncertain significance. Last evaluated: 2017-04-24. Review status: criteria provided, single submitter. Criteria: GeneDx Variant Classification (06012015). Collection method: clinical testing. Allele origin: germline. Affected: yes.
Comment: The L349F variant in the DEPDC5 gene has not been reported previously as a pathogenic variant, nor as a benign variant, to our knowledge. The L349F variant is not observed in large population cohorts (Lek et al., 2016; 1000 Genomes Consortium et al., 2015; Exome Variant Server). The L349F variant is a conservative amino acid substitution, which is not likely to impact secondary protein structure as these residues share similar properties. However, this substitution occurs at a position that is conserved across species, and in silico analysis predicts this variant is probably damaging to the protein structure/function. We interpret L349F as a variant of uncertain significance.